The following is an entry in ClinVar:

ClinVar aggregate classification (germline): Pathogenic (0 of 4 stars; one submission).

Conditions:
Optic atrophy 9 (OPA9). Identifiers: MedGen C4225384, MONDO:0014571, OMIM 616289.

Submission:

Daryl Scott Lab, Baylor College of Medicine
Classification: Pathogenic for Optic atrophy 9. Last evaluated: 2020-03-17. Review status: no assertion criteria provided. Collection method: clinical testing. Allele origin: inherited. Inheritance: Autosomal recessive inheritance. Affected: yes. Observed: 2 variant alleles, 2 compound heterozygotes. Clinical features observed: Optic atrophy (HP:0000648).

NM_001098.3(ACO2):c.[1894G>A];[487G>T]

Variant type: CompoundHeterozygote.
Identifiers: ClinVar variation 830373 (VCV000830373.3).